The following is an entry in ClinVar:

NM_006904.7(PRKDC):c.6481G>A (p.Ala2161Thr)

Gene: PRKDC (protein kinase, DNA-activated, catalytic subunit; minus strand). Cytogenetic location: 8q11.21.
Variant type: single nucleotide variant.
Coding change: c.6481G>A on transcript NM_006904.7 (MANE Select); coding-DNA position 6481, G replaced by A.
Protein change: p.Ala2161Thr; replaces alanine 2161 with threonine.
Molecular consequence: missense variant.
Genome position (GRCh38, 1-based): chr8:47,857,284, C>T on the plus strand (G>A on the coding strand, the complement: PRKDC is on the minus strand). VCF-style: chr8-47857284-C-T. GRCh37 (hg19) VCF-style: chr8-48769845-C-T.
Other names: c.6481G>A, p.Ala2161Thr (NM_001081640.2); short protein forms A2161T.
Identifiers: ClinVar variation 4750499 (VCV004750499.1).

ClinVar aggregate classification (germline): Uncertain significance (1 of 4 stars; one submission).

Conditions:
Severe combined immunodeficiency due to DNA-PKcs deficiency. Also called: IMMUNODEFICIENCY 26 WITH NEUROLOGIC ABNORMALITIES; Immunodeficiency 26 with or without neurologic abnormalities. Identifiers: Orphanet 317425, MedGen C4014833, MONDO:0014423, OMIM 615966.

Submission:

Labcorp Genetics (formerly Invitae), Labcorp
Classification: Uncertain significance for Severe combined immunodeficiency due to DNA-PKcs deficiency. Last evaluated: 2025-11-06. Review status: criteria provided, single submitter. Criteria: Invitae Variant Classification Sherloc (09022015). Collection method: clinical testing. Allele origin: germline.
Comment: This sequence change replaces alanine, which is neutral and non-polar, with threonine, which is neutral and polar, at codon 2161 of the PRKDC protein (p.Ala2161Thr). This variant is present in population databases (rs769509721, gnomAD 0.007%). This variant has not been reported in the literature in individuals affected with PRKDC-related conditions. Invitae Evidence Modeling of protein sequence and biophysical properties (such as structural, functional, and spatial information, amino acid conservation, physicochemical variation, residue mobility, and thermodynamic stability) indicates that this missense variant is expected to disrupt PRKDC protein function with a positive predictive value of 80%. In summary, the available evidence is currently insufficient to determine the role of this variant in disease. Therefore, it has been classified as a Variant of Uncertain Significance.